The following is an entry in ClinVar:

NM_181507.2(HPS5):c.1277C>T (p.Pro426Leu)

Gene: HPS5 (HPS5 biogenesis of lysosomal organelles complex 2 subunit 2; minus strand). Cytogenetic location: 11p15.1.
Variant type: single nucleotide variant.
Coding change: c.1277C>T on transcript NM_181507.2 (MANE Select); coding-DNA position 1277, C replaced by T.
Protein change: p.Pro426Leu; replaces proline 426 with leucine.
Molecular consequence: missense variant.
Genome position (GRCh38, 1-based): chr11:18,297,605, G>A on the plus strand (C>T on the coding strand, the complement: HPS5 is on the minus strand). VCF-style: chr11-18297605-G-A. GRCh37 (hg19) VCF-style: chr11-18319152-G-A.
Other names: c.935C>T, p.Pro312Leu (NM_007216.4, NM_181508.2); short protein forms P312L, P426L.
Identifiers: ClinVar variation 3672977 (VCV003672977.2).

ClinVar aggregate classification (germline): Uncertain significance (1 of 4 stars; one submission).

gnomAD v4.1: 2 of 1,613,844 alleles (0.00012%); highest among the groups gnomAD compares: Non-Finnish European, 0.00017%; no homozygotes.

Submission:

Labcorp Genetics (formerly Invitae), Labcorp
Classification: Uncertain significance. Last evaluated: 2024-01-29. Review status: criteria provided, single submitter. Criteria: Invitae Variant Classification Sherloc (09022015). Collection method: clinical testing. Allele origin: germline.
Comment: This sequence change replaces proline, which is neutral and non-polar, with leucine, which is neutral and non-polar, at codon 426 of the HPS5 protein (p.Pro426Leu). This variant is present in population databases (no rsID available, gnomAD 0.007%). This variant has not been reported in the literature in individuals affected with HPS5-related conditions. An algorithm developed to predict the effect of missense changes on protein structure and function (PolyPhen-2) suggests that this variant is likely to be disruptive. In summary, the available evidence is currently insufficient to determine the role of this variant in disease. Therefore, it has been classified as a Variant of Uncertain Significance.